The following is an entry in ClinVar:

NM_057088.3(KRT3):c.1481C>T (p.Ala494Val)

Genes: KRT3 (keratin 3; minus strand), LOC126861527 (BRD4-independent group 4 enhancer GRCh37_chr12:53184490-53185689; plus strand). Cytogenetic location: 12q13.13.
Variant type: single nucleotide variant.
Coding change: c.1481C>T on transcript NM_057088.3 (MANE Select); coding-DNA position 1481, C replaced by T.
Protein change: p.Ala494Val; replaces alanine 494 with valine.
Molecular consequence: missense variant.
Genome position (GRCh38, 1-based): chr12:52,791,260, G>A on the plus strand (C>T on the coding strand, the complement: KRT3 is on the minus strand). VCF-style: chr12-52791260-G-A. GRCh37 (hg19) VCF-style: chr12-53185044-G-A.
Other names: short protein forms A494V.
Identifiers: ClinVar variation 4885752 (VCV004885752.2).

ClinVar aggregate classification (germline): Uncertain significance (1 of 4 stars; one submission).

gnomAD v4.1: 12 of 1,614,110 alleles (0.00074%); highest among the groups gnomAD compares: African/African-American, 0.0067%; no homozygotes.

Submission:

Dasa
Classification: Uncertain significance. Last evaluated: 2026-03-21. Review status: criteria provided, single submitter. Criteria: DASA Assertion Criteria. Collection method: clinical testing. Allele origin: germline.
Comment: NM_057088.3(KRT3):c.1481C>T (p.Ala494Val) is a missense variant that results in the substitution of alanine with valine. The affected residue or protein region has prior evidence supporting clinical relevance. This variant is rare in population databases. Computational prediction algorithms are consistent with a deleterious effect. The currently available literature and clinical evidence are not sufficient to establish a definitive association between this variant and the reported condition. Therefore, this variant is classified as a variant of uncertain significance.